The following is an entry in ClinVar:

ClinVar aggregate classification (germline): Uncertain significance (1 of 4 stars; one submission).

Submission:

Labcorp Genetics (formerly Invitae), Labcorp
Classification: Uncertain significance. Last evaluated: 2022-05-10. Review status: criteria provided, single submitter. Criteria: Invitae Variant Classification Sherloc (09022015). Collection method: clinical testing. Allele origin: germline.
Comment: This variant is not present in population databases (gnomAD no frequency). This variant, c.4153_4155del, results in the deletion of 1 amino acid(s) of the PCDH15 protein (p.Ile1385del), but otherwise preserves the integrity of the reading frame. This variant has not been reported in the literature in individuals affected with PCDH15-related conditions. In summary, the available evidence is currently insufficient to determine the role of this variant in disease. Therefore, it has been classified as a Variant of Uncertain Significance. Experimental studies and prediction algorithms are not available or were not evaluated, and the functional significance of this variant is currently unknown.

NM_001384140.1(PCDH15):c.4147ATC[2] (p.Ile1385del)

Gene: PCDH15 (protocadherin related 15; minus strand). Cytogenetic location: 10q21.1.
Variant type: Microsatellite.
Coding change: c.4147ATC[2] on transcript NM_001384140.1 (MANE Select); two copies in a row of the 3-base unit ATC starting at c.4147; the reference has three copies in a row; one copy, 3 bases deleted.
Protein change: p.Ile1385del; deletes isoleucine 1385.
Molecular consequence: inframe deletion. On other transcripts: inframe indel (1).
Genome position (GRCh38, 1-based): chr10:53,831,362-53,831,364, GAT deleted on the plus strand (ATC on the coding strand, the reverse complement: PCDH15 is on the minus strand); deleting any 3 consecutive bases within chr10:53,831,362-53,831,372 gives the same sequence; the position shown is the placement nearest the transcript's 3' end. VCF-style (leftmost placement, unchanged base first): chr10-53831361-GGAT-G. GRCh37 (hg19) VCF-style: chr10-55591121-GGAT-G.
Other names: c.4162ATC[2], p.Ile1390del (NM_001142763.2, NM_001142771.2); c.4147ATC[2], p.Ile1385del (NM_001142764.2, NM_001142766.2, NM_001142770.3 and 4 more transcripts); c.3934ATC[2], p.Ile1314del (NM_001142765.2); c.4036ATC[2], p.Ile1348del (NM_001142767.2); c.4081ATC[2], p.Ile1363del (NM_001142768.2, NM_001142773.2, NM_001354404.2); c.4181_4183TCA[2], p.Ile1397del (NM_001142769.4); c.4168ATC[2], p.Ile1392del (NM_001354411.2); short protein forms I1348del, I1363del, I1385del, I1390del, I1314del, I1392del, I1397del.
Identifiers: ClinVar variation 1992638 (VCV001992638.4), dbSNP rs2492654503, ClinGen allele CA2580615473.